The following is an entry in ClinVar:

NM_020166.5(MCCC1):c.294C>T (p.Ile98=)

Gene: MCCC1 (methylcrotonyl-CoA carboxylase subunit 1; minus strand). Cytogenetic location: 3q27.1.
Variant type: single nucleotide variant.
Coding change: c.294C>T on transcript NM_020166.5 (MANE Select); coding-DNA position 294, C replaced by T.
Protein change: p.Ile98=; no amino-acid change (isoleucine 98 retained).
Molecular consequence: synonymous variant. On other transcripts: missense variant (1), 5 prime UTR variant (1), non-coding transcript variant (1).
Genome position (GRCh38, 1-based): chr3:183,086,768, G>A on the plus strand (C>T on the coding strand, the complement: MCCC1 is on the minus strand). VCF-style: chr3-183086768-G-A. GRCh37 (hg19) VCF-style: chr3-182804556-G-A.
Other names: c.65C>T, p.Ser22Leu (NM_001293273.2); c.-34C>T (NM_001363880.1); short protein forms S22L.
Identifiers: ClinVar variation 702622 (VCV000702622.35), dbSNP rs368288499, ClinGen allele CA2719116.
Genomic context (GRCh38, chr3:183,086,768, plus strand): 5'-CTTGGCCACTTGAATGATTTTCTCCATAGATAGGTAGCTCTGCTGGGAGGGAGCGGGGCC[G>A]ATGGAATATGCTTCATCTGCCTGTTTAAGAAACATCACATGCTTAAAAGACTTTGTGGCT-3'
Protein context (NP_064551.3, residues 88-108): HVDMADEAYS[Ile98=]GPAPSQQSYL

ClinVar aggregate classification (germline): Likely benign. Review status: criteria provided, multiple submitters, no conflicts (2 of 4 stars). 3 submissions from 3 submitters: Likely benign (2). 1 of the submissions does not count toward it. Last evaluated 2025-08-30.

Conditions:
3-methylcrotonyl-CoA carboxylase 1 deficiency (MCC1D). Also called: MCC 1 deficiency; 3 Alpha methylcrotonylglycinuria 1; MCCD TYPE 1; METHYLCROTONYLGLYCINURIA TYPE I. Identifiers: Orphanet 6, MedGen CN028786, MONDO:0008861, OMIM 210200.

Allele frequency attached by ClinVar (database versions not stated): gnomAD exomes 0.00002 and 0.00005; ExAC 0.00005; gnomAD 0.00007 and 0.00009; ESP Exome Variant Server 0.00008; TOPMed 0.00015.
gnomAD v4.1: 39 of 1,613,946 alleles (0.0024%); highest among the groups gnomAD compares: African/African-American, 0.021%; no homozygotes.

Submissions (3):

Labcorp Genetics (formerly Invitae), Labcorp
Classification: Likely benign for 3-methylcrotonyl-CoA carboxylase 1 deficiency. Last evaluated: 2025-08-30. Review status: criteria provided, single submitter. Criteria: Invitae Variant Classification Sherloc (09022015). Collection method: clinical testing. Allele origin: germline.

CeGaT Center for Human Genetics Tuebingen
Classification: Likely benign. Last evaluated: 2023-06-01. Review status: criteria provided, single submitter. Criteria: CeGaT Center For Human Genetics Tuebingen Variant Classification Criteria Version 2. Collection method: clinical testing. Allele origin: germline. Affected: yes. Observed: 1 variant allele.
Comment: MCCC1: BP4, BP7

Natera, Inc.
Classification: Uncertain significance for 3-methylcrotonyl-CoA carboxylase 1 deficiency. Last evaluated: 2020-01-24. Review status: no assertion criteria provided. Collection method: clinical testing. Allele origin: germline. Not counted in ClinVar's aggregate classification.